The following is an entry in ClinVar:

ClinVar aggregate classification (germline): Uncertain significance (1 of 4 stars; one submission).

Submission:

Labcorp Genetics (formerly Invitae), Labcorp
Classification: Uncertain significance. Last evaluated: 2025-03-17. Review status: criteria provided, single submitter. Criteria: Invitae Variant Classification Sherloc (09022015). Collection method: clinical testing. Allele origin: germline.
Comment: This sequence change replaces proline, which is neutral and non-polar, with serine, which is neutral and polar, at codon 94 of the PCARE protein (p.Pro94Ser). This variant is not present in population databases (gnomAD no frequency). This variant has not been reported in the literature in individuals affected with PCARE-related conditions. ClinVar contains an entry for this variant (Variation ID: 965237). An algorithm developed to predict the effect of missense changes on protein structure and function outputs the following: PolyPhen-2: "Benign". The serine amino acid residue is found in multiple mammalian species, which suggests that this missense change does not adversely affect protein function. In summary, the available evidence is currently insufficient to determine the role of this variant in disease. Therefore, it has been classified as a Variant of Uncertain Significance.

NM_001029883.3(PCARE):c.280C>T (p.Pro94Ser)

Gene: PCARE (photoreceptor cilium actin regulator; minus strand). Cytogenetic location: 2p23.2.
Variant type: single nucleotide variant.
Coding change: c.280C>T on transcript NM_001029883.3 (MANE Select); coding-DNA position 280, C replaced by T.
Protein change: p.Pro94Ser; replaces proline 94 with serine.
Molecular consequence: missense variant.
Genome position (GRCh38, 1-based): chr2:29,073,982, G>A on the plus strand (C>T on the coding strand, the complement: PCARE is on the minus strand). VCF-style: chr2-29073982-G-A. GRCh37 (hg19) VCF-style: chr2-29296848-G-A.
Other names: short protein forms P94S.
Identifiers: ClinVar variation 965237 (VCV000965237.9), dbSNP rs1667544211, ClinGen allele CA346482650.